The following is an entry in ClinVar:

NM_000303.3(PMM2):c.91T>C (p.Phe31Leu)

Gene: PMM2 (phosphomannomutase 2; plus strand). Cytogenetic location: 16p13.2.
Variant type: single nucleotide variant.
Coding change: c.91T>C on transcript NM_000303.3 (MANE Select); coding-DNA position 91, T replaced by C.
Protein change: p.Phe31Leu; replaces phenylalanine 31 with leucine.
Molecular consequence: missense variant.
Genome position (GRCh38, 1-based): chr16:8,801,823, T>C. VCF-style: chr16-8801823-T-C. GRCh37 (hg19) VCF-style: chr16-8895680-T-C.
Other names: short protein forms F31L.
Identifiers: ClinVar variation 425093 (VCV000425093.27), dbSNP rs749720760, ClinGen allele CA7893884.

ClinVar aggregate classification (germline): Likely pathogenic. Review status: criteria provided, multiple submitters, no conflicts (2 of 4 stars). 9 submissions from 9 submitters: Likely pathogenic (7). 2 of the submissions do not count toward it. Last evaluated 2026-09-02.

Conditions:
PMM2-congenital disorder of glycosylation. Also called: CDG Ia; JAEKEN SYNDROME; PHOSPHOMANNOMUTASE 2 DEFICIENCY; CARBOHYDRATE-DEFICIENT GLYCOPROTEIN SYNDROME, TYPE Ia; Congenital disorder of glycosylation, type Ia; PMM2-CDG. Identifiers: Orphanet 79318, MedGen C0349653, MONDO:0008907, OMIM 212065.

Allele frequency attached by ClinVar (database versions not stated): ExAC 0.00009; gnomAD exomes 0.00008 and 0.00010; TOPMed 0.00009; gnomAD 0.00005.
gnomAD v4.1: 159 of 1,610,454 alleles (0.0099%); highest among the groups gnomAD compares: Admixed American, 0.025%; no homozygotes.

Submissions (9):

Myriad Genetics, Inc.
Classification: Likely pathogenic for PMM2-congenital disorder of glycosylation. Last evaluated: 2026-09-02. Review status: criteria provided, single submitter. Criteria: Myriad Autosomal Dominant, Autosomal Recessive and X-Linked Classification Criteria (2023). Collection method: clinical testing. Allele origin: unknown.
Comment: NM_000303.2(PMM2):c.91T>C(F31L) is a missense variant classified as likely pathogenic in the context of congenital disorder of glycosylation, PMM2-related. F31L has been observed in cases with relevant disease (PMID: 28122681, 33921431, Bosque_2026_(Thesis)). Relevant functional assessments of this variant are not available in the literature. F31L has been observed in referenced population frequency databases. In summary, NM_000303.2(PMM2):c.91T>C(F31L) is a missense variant that has been observed more frequently in cases with the relevant disease than in healthy populations. Please note: this variant was assessed in the context of healthy population screening.

Labcorp Genetics (formerly Invitae), Labcorp
Classification: Likely pathogenic for PMM2-congenital disorder of glycosylation. Last evaluated: 2025-10-16. Review status: criteria provided, single submitter. Criteria: Invitae Variant Classification Sherloc (09022015). Collection method: clinical testing. Allele origin: germline.
Comment: This sequence change replaces phenylalanine, which is neutral and non-polar, with leucine, which is neutral and non-polar, at codon 31 of the PMM2 protein (p.Phe31Leu). This variant is present in population databases (rs749720760, gnomAD 0.02%). This missense change has been observed in individual(s) with PMM2-related conditions (PMID: 28122681, 33921431). ClinVar contains an entry for this variant (Variation ID: 425093). Invitae Evidence Modeling of protein sequence and biophysical properties (such as structural, functional, and spatial information, amino acid conservation, physicochemical variation, residue mobility, and thermodynamic stability) indicates that this missense variant is expected to disrupt PMM2 protein function with a positive predictive value of 95%. In summary, the currently available evidence indicates that the variant is pathogenic, but additional data are needed to prove that conclusively. Therefore, this variant has been classified as Likely Pathogenic.

ARUP Laboratories, Molecular Genetics and Genomics, ARUP Laboratories
Classification: Likely pathogenic for PMM2-congenital disorder of glycosylation. Last evaluated: 2025-03-04. Review status: criteria provided, single submitter. Criteria: ARUP Molecular Germline Variant Investigation Process 2024. Collection method: clinical testing. Allele origin: germline.
Comment: The PMM2 c.91T>C; p.Phe31Leu variant (rs749720760, ClinVar Variation ID: 425093) is reported in the literature in multiple individual with suspicion for congenital disorders of glycosylation, or related clinical presentations (Al Teneiji 2017, Arteche-Lopez 2021, Heddar 2022). This variant is found in the Admixed American population with an allele frequency of 0.02% (7/34558 alleles) in the Genome Aggregation Database (v2.1.1). Computational analyses predict that this variant is deleterious (REVEL: 0.764). Based on available information, this variant is considered to be likely pathogenic. References: Al Teneiji A et al. Phenotypic and genotypic spectrum of congenital disorders of glycosylation type I and type II. Mol Genet Metab. 2017 Mar;120(3):235-242. PMID: 28122681. Arteche-Lopez A et al. Towards a Change in the Diagnostic Algorithm of Autism Spectrum Disorders: Evidence Supporting Whole Exome Sequencing as a First-Tier Test. Genes (Basel). 2021 Apr 12;12(4):560. PMID: 33921431 Heddar A et al. Genetic landscape of a large cohort of Primary Ovarian Insufficiency: New genes and pathways and implications for personalized medicine. EBioMedicine. 2022 Oct;84:104246. PMID: 36099812

Women's Health and Genetics/Laboratory Corporation of America, LabCorp
Classification: Likely pathogenic for PMM2-congenital disorder of glycosylation. Last evaluated: 2024-11-04. Review status: criteria provided, single submitter. Criteria: LabCorp Variant Classification Summary - May 2015. Collection method: clinical testing. Allele origin: germline.
Comment: Variant summary: PMM2 c.91T>C (p.Phe31Leu) results in a non-conservative amino acid change in the encoded protein sequence. Four of five in-silico tools predict a damaging effect of the variant on protein function. The variant allele was found at a frequency of 7.7e-05 in 248014 control chromosomes. This frequency is not significantly higher than estimated for a pathogenic variant in PMM2 causing Congenital Disorder Of Glycosylation Type 1a (7.7e-05 vs 0.0056), allowing no conclusion about variant significance. c.91T>C has been reported in the literature in individuals affected with Congenital Disorder Of Glycosylation Type 1a or Primary Ovarian Insufficiency. These data indicate that the variant may be associated with disease. To our knowledge, no experimental evidence demonstrating an impact on protein function has been reported. ClinVar contains an entry for this variant (Variation ID: 425093). Based on the evidence outlined above, the variant was classified as likely pathogenic.

Fulgent Genetics
Classification: Likely pathogenic for PMM2-congenital disorder of glycosylation. Last evaluated: 2024-02-10. Review status: criteria provided, single submitter. Criteria: ACMG Guidelines, 2015. Collection method: clinical testing. Allele origin: germline.

GeneDx
Classification: Likely pathogenic. Last evaluated: 2024-02-05. Review status: criteria provided, single submitter. Criteria: GeneDx Variant Classification Process June 2021. Collection method: clinical testing. Allele origin: germline. Affected: yes.
Comment: In silico analysis supports that this missense variant has a deleterious effect on protein structure/function; This variant is associated with the following publications: (PMID: 34859900, 28122681, 33921431, 28820871)

CeGaT Center for Human Genetics Tuebingen
Classification: Likely pathogenic. Last evaluated: 2016-11-30. Review status: criteria provided, single submitter. Criteria: Praxis fuer Humangenetik Tuebingen - Variant Classification Criteria. Collection method: clinical testing. Allele origin: germline. Affected: yes. Observed: 2 variant alleles.

Natera, Inc.
Classification: Uncertain significance for Congenital disorder of glycosylation type 1a. Last evaluated: 2020-09-16. Review status: flagged submission. Collection method: clinical testing. Allele origin: germline. Not counted in ClinVar's aggregate classification.
ClinVar note: Reason: Outlier claim with insufficient supporting evidence

Eurofins Ntd Llc (ga)
Classification: Uncertain significance. Last evaluated: 2018-07-18. Review status: flagged submission. Criteria: EGL ClinVar v180209 classification definitions. Collection method: clinical testing. Allele origin: germline. Observed: 1 variant allele, 1 heterozygote. Not counted in ClinVar's aggregate classification.
ClinVar note: Reason: Older claim that does not account for recent evidence

Literature cited by the submitters: PubMed 28122681 (cited by Labcorp Genetics (formerly Invitae), Labcorp and Women's Health and Genetics/Laboratory Corporation of America, LabCorp); PubMed 33921431 (cited by Labcorp Genetics (formerly Invitae), Labcorp); PubMed 28820871 (cited by Women's Health and Genetics/Laboratory Corporation of America, LabCorp); PubMed 36099812 (cited by Women's Health and Genetics/Laboratory Corporation of America, LabCorp).